The following is an entry in ClinVar:

ClinVar aggregate classification (germline): Uncertain significance (1 of 4 stars; one submission).

Allele frequency attached by ClinVar (database versions not stated): TOPMed below 0.00001.

Submission:

GeneDx
Classification: Uncertain significance. Last evaluated: 2019-12-17. Review status: criteria provided, single submitter. Criteria: GeneDx Variant Classification Process June 2021. Collection method: clinical testing. Allele origin: germline. Affected: yes.
Comment: Not observed in large population cohorts (Lek et al., 2016); In silico analysis, which includes protein predictors and evolutionary conservation, supports that this variant does not alter protein structure/function; Has not been previously published as pathogenic or benign to our knowledge

NM_001127178.3(PIGG):c.2945A>G (p.Gln982Arg)

Gene: PIGG (phosphatidylinositol glycan anchor biosynthesis class G (EMM blood group); plus strand). Cytogenetic location: 4p16.3.
Variant type: single nucleotide variant.
Coding change: c.2945A>G on transcript NM_001127178.3 (MANE Select); coding-DNA position 2945, A replaced by G.
Protein change: p.Gln982Arg; replaces glutamine 982 with arginine.
Molecular consequence: missense variant. On other transcripts: non-coding transcript variant (10).
Genome position (GRCh38, 1-based): chr4:539,362, A>G. VCF-style: chr4-539362-A-G. GRCh37 (hg19) VCF-style: chr4-533151-A-G.
Other names: c.2678A>G, p.Gln893Arg (NM_001289051.2, NM_001345986.2); c.2546A>G, p.Gln849Arg (NM_001289052.2); c.2654A>G, p.Gln885Arg (NM_001345987.2); c.1916A>G, p.Gln639Arg (NM_001345988.2); c.1412A>G, p.Gln471Arg (NM_001345990.2, NM_001345991.2); c.1847A>G, p.Gln616Arg (NM_001345994.2); c.2921A>G, p.Gln974Arg (NM_017733.5); short protein forms Q471R, Q616R, Q639R, Q849R, Q885R, Q893R, Q974R, Q982R.
Identifiers: ClinVar variation 1311195 (VCV001311195.2), dbSNP rs1272889377, ClinGen allele CA355915047.